The following is an entry in ClinVar:

ClinVar aggregate classification (germline): Uncertain significance (1 of 4 stars; one submission).

Conditions:
NACC1-related disorder. Also called: NACC1-related condition.

Allele frequency attached by ClinVar (database versions not stated): gnomAD exomes below 0.00001; gnomAD 0.00001.
gnomAD v4.1: 3 of 1,614,070 alleles (0.00019%); highest among the groups gnomAD compares: African/African-American, 0.0027%; no homozygotes.

Submission:

PreventionGenetics, part of Exact Sciences
Classification: Uncertain significance for NACC1-related condition. Last evaluated: 2023-08-27. Review status: criteria provided, single submitter. Criteria: ACMG Guidelines, 2015. Collection method: clinical testing. Allele origin: germline.
Comment: The NACC1 c.1439A>G variant is predicted to result in the amino acid substitution p.Lys480Arg. To our knowledge, this variant has not been reported in the literature or in a large population database, indicating this variant is rare. At this time, the clinical significance of this variant is uncertain due to the absence of conclusive functional and genetic evidence.

NM_052876.4(NACC1):c.1439A>G (p.Lys480Arg)

Gene: NACC1 (nucleus accumbens associated 1; plus strand). Cytogenetic location: 19p13.13.
Variant type: single nucleotide variant.
Coding change: c.1439A>G on transcript NM_052876.4 (MANE Select); coding-DNA position 1439, A replaced by G.
Protein change: p.Lys480Arg; replaces lysine 480 with arginine.
Molecular consequence: missense variant.
Genome position (GRCh38, 1-based): chr19:13,138,261, A>G. VCF-style: chr19-13138261-A-G. GRCh37 (hg19) VCF-style: chr19-13249075-A-G.
Other names: short protein forms K480R.
Identifiers: ClinVar variation 2633535 (VCV002633535.1), dbSNP rs2019734615, ClinGen allele CA404330113.
Genomic context (GRCh38, chr19:13,138,261, plus strand): 5'-CGGCCGACATGTGCACCAACGCCCGCCGCGTCGTGCGCAAGAGCTGGATGCCCAAGGTCA[A>G]GGTGCTCAAGGCTGAGGATGACGCCTACACCACCTTCATCAGTGAAACGGGCAAGATCGA-3'
Protein context (NP_443108.1, residues 470-490): VVRKSWMPKV[Lys480Arg]VLKAEDDAYT